The following is an entry in ClinVar:

NM_001040616.3(LINS1):c.2270T>A (p.Leu757Ter)

Gene: LINS1 (lines homolog 1; minus strand). Cytogenetic location: 15q26.3.
Variant type: single nucleotide variant.
Coding change: c.2270T>A on transcript NM_001040616.3 (MANE Select); coding-DNA position 2270, T replaced by A.
Protein change: p.Leu757Ter; replaces leucine 757 with a stop codon.
Molecular consequence: nonsense. On other transcripts: non-coding transcript variant (3).
Genome position (GRCh38, 1-based): chr15:100,569,242, A>T on the plus strand (T>A on the coding strand, the complement: LINS1 is on the minus strand). VCF-style: chr15-100569242-A-T. GRCh37 (hg19) VCF-style: chr15-101109447-A-T.
Other names: c.1523T>A, p.Leu508Ter (NM_001352507.2); c.2117T>A, p.Leu706Ter (NM_001352508.2); c.2270T>A (NM_001040616.2); short protein forms L508*, L757*, L706*.
Identifiers: ClinVar variation 915272 (VCV000915272.6), dbSNP rs1383641417, ClinGen allele CA393944500.

ClinVar aggregate classification (germline): Uncertain significance. Review status: criteria provided, multiple submitters, no conflicts (2 of 4 stars). 2 submissions from 2 submitters: Uncertain significance (2). Last evaluated 2025-11-10.

Conditions:
Inborn genetic diseases. Identifiers: MedGen C0950123, MeSH D030342.
Intellectual developmental disorder, autosomal recessive 27. Also called: Mental retardation, autosomal recessive 27; Intellectual disability, autosomal recessive 27. Identifiers: Orphanet 88616, MedGen C3280538, MONDO:0013702, OMIM 614340.

gnomAD v4.1: 2 of 1,577,174 alleles (0.00013%); highest among the groups gnomAD compares: South Asian, 0.0011%; no homozygotes.

Submissions (2):

Genomic Research Center, Shahid Beheshti University of Medical Sciences
Classification: Uncertain significance for Intellectual developmental disorder, autosomal recessive 27. Last evaluated: 2025-11-10. Review status: criteria provided, single submitter. Criteria: ACMG Guidelines, 2015. Collection method: clinical testing. Allele origin: unknown. Affected: yes.

Ambry Genetics
Classification: Uncertain significance for Inborn genetic diseases. Last evaluated: 2018-11-07. Review status: criteria provided, single submitter. Criteria: Ambry Variant Classification Scheme 2023. Collection method: clinical testing. Allele origin: germline.
Comment: The p.L757* variant (also known as c.2270T>A), located in coding exon 6 of the LINS gene, results from a T to A substitution at nucleotide position 2270. This changes the amino acid from a leucine to a stop codon within coding exon 6. Premature stop codons are typically deleterious in nature, however, this stop codon occurs at the 3' terminus of LINS, is not expected to trigger nonsense-mediated mRNA decay, and impacts only the last amino acid of the protein. The exact functional impact of this removed amino acid is unknown at this time. Since supporting evidence is limited at this time, the clinical significance of this alteration remains unclear.